The following is an entry in ClinVar:

NM_000256.3(MYBPC3):c.1058del (p.Lys353fs)

Gene: MYBPC3 (myosin binding protein C3; minus strand). Cytogenetic location: 11p11.2.
Variant type: Deletion.
Coding change: c.1058del on transcript NM_000256.3 (MANE Select); coding-DNA position 1058, one base deleted (A; older notation c.1058delA).
Protein change: p.Lys353fs; shifts the reading frame from lysine 353.
Molecular consequence: frameshift variant.
Genome position (GRCh38, 1-based): chr11:47,346,239, T deleted on the plus strand (A on the coding strand, the reverse complement: MYBPC3 is on the minus strand); the first of 2 consecutive T bases (chr11:47,346,239-47,346,240); deleting either gives the same sequence. VCF-style (leftmost placement, unchanged base first): chr11-47346238-CT-C. GRCh37 (hg19) VCF-style: chr11-47367789-CT-C.
Other names: c.1058delA (NM_000256.3); short protein forms K353fs.
Identifiers: ClinVar variation 2090163 (VCV002090163.5), dbSNP rs2495770501, ClinGen allele CA2580084165.

ClinVar aggregate classification (germline): Pathogenic. Review status: criteria provided, multiple submitters, no conflicts (2 of 4 stars). 2 submissions from 2 submitters: Pathogenic (2). Last evaluated 2023-10-05.

Conditions:
Hypertrophic cardiomyopathy. Also called: HYPERTROPHIC MYOCARDIOPATHY. Identifiers: Orphanet 217569, MedGen C0007194, MeSH D002312, MONDO:0005045, HP:0001639.
Cardiovascular phenotype. Identifiers: MedGen CN230736.

Submissions (2):

Ambry Genetics
Classification: Pathogenic for Cardiovascular phenotype. Last evaluated: 2023-10-05. Review status: criteria provided, single submitter. Criteria: Ambry Variant Classification Scheme 2023. Collection method: clinical testing. Allele origin: germline.
Comment: The c.1058delA pathogenic mutation, located in coding exon 12 of the MYBPC3 gene, results from a deletion of one nucleotide at nucleotide position 1058, causing a translational frameshift with a predicted alternate stop codon (p.K353Rfs*3). This alteration has been reported in a hypertrophic cardiomyopathy (HCM) cohort (Trachoo O et al. PLoS One, 2022 Sep;17:e0267770). This variant is considered to be rare based on population cohorts in the Genome Aggregation Database (gnomAD). This alteration is expected to result in loss of function by premature protein truncation or nonsense-mediated mRNA decay. As such, this alteration is interpreted as a disease-causing mutation.

Labcorp Genetics (formerly Invitae), Labcorp
Classification: Pathogenic for Hypertrophic cardiomyopathy. Last evaluated: 2022-07-23. Review status: criteria provided, single submitter. Criteria: Invitae Variant Classification Sherloc (09022015). Collection method: clinical testing. Allele origin: germline.
Comment: For these reasons, this variant has been classified as Pathogenic. This variant has not been reported in the literature in individuals affected with MYBPC3-related conditions. This variant is not present in population databases (gnomAD no frequency). This sequence change creates a premature translational stop signal (p.Lys353Argfs*3) in the MYBPC3 gene. It is expected to result in an absent or disrupted protein product. Loss-of-function variants in MYBPC3 are known to be pathogenic (PMID: 19574547).

Literature cited by the submitters: PubMed 36166435 (cited by Ambry Genetics); PubMed 19574547 (cited by Labcorp Genetics (formerly Invitae), Labcorp).